The following is an entry in ClinVar:

ClinVar aggregate classification (germline): Pathogenic (1 of 4 stars; one submission).

Conditions:
Familial thoracic aortic aneurysm and aortic dissection (TAAD). Also called: Thoracic aortic aneurysms and dissections. Identifiers: Orphanet 91387, MedGen C4707243, MONDO:0019625.
Marfan syndrome (MFS). Also called: FBN1-Related Marfan Syndrome; Marfan syndrome type 1; Marfan's syndrome; Marfan syndrome, classic; MARFAN SYNDROME, TYPE I. Identifiers: Orphanet 284963, Orphanet 558, MedGen C0024796, MONDO:0007947, OMIM 154700.

Submission:

Labcorp Genetics (formerly Invitae), Labcorp
Classification: Pathogenic for Marfan syndrome; Familial thoracic aortic aneurysm and aortic dissection. Last evaluated: 2019-02-07. Review status: criteria provided, single submitter. Criteria: Invitae Variant Classification Sherloc (09022015). Collection method: clinical testing. Allele origin: germline.
Comment: This variant has been observed in individuals affected with Marfan syndrome or clinical features of this disease, including an individual in whom this variant was detected de novo (PMID: 16222657, Invitae). This variant is not present in population databases (ExAC no frequency). This sequence change replaces glycine with aspartic acid at codon 1058 of the FBN1 protein (p.Gly1058Asp). The glycine residue is highly conserved and there is a moderate physicochemical difference between glycine and aspartic acid. Algorithms developed to predict the effect of missense changes on protein structure and function (SIFT, PolyPhen-2, Align-GVGD) all suggest that this variant is likely to be disruptive, but these predictions have not been confirmed by published functional studies and their clinical significance is uncertain. For these reasons, this variant has been classified as Pathogenic. This variant disrupts the p.Gly1058 amino acid residue in FBN1. Other variant(s) that disrupt this residue have been observed in individuals with FBN1-related conditions (PMID: 27160103), which suggests that this may be a clinically significant amino acid residue.

Literature cited by the submitters: PubMed 16222657; PubMed 27160103.

NM_000138.5(FBN1):c.3173G>A (p.Gly1058Asp)

Gene: FBN1 (fibrillin 1; minus strand). Cytogenetic location: 15q21.1.
Variant type: single nucleotide variant.
Coding change: c.3173G>A on transcript NM_000138.5 (MANE Select); coding-DNA position 3173, G replaced by A.
Protein change: p.Gly1058Asp; replaces glycine 1058 with aspartic acid.
Molecular consequence: missense variant.
Genome position (GRCh38, 1-based): chr15:48,488,403, C>T on the plus strand (G>A on the coding strand, the complement: FBN1 is on the minus strand). VCF-style: chr15-48488403-C-T. GRCh37 (hg19) VCF-style: chr15-48780600-C-T.
Other names: short protein forms G1058D.
Identifiers: ClinVar variation 646221 (VCV000646221.10), dbSNP rs794728202, ClinGen allele CA392327973.
Genomic context (GRCh38, chr15:48,488,403, plus strand): 5'-TGGCCCTTAAGGCTCATTAACTGACCTGTGCAGTTCCTTTCTTCAGAATCAAGAGCAAAG[C>T]CGCTGTCACACCTGCACTTAAAGCTGCCAATGGTGTTTCTGCACTTGCCGTGGGTGCAGA-3'
Protein context (NP_000129.3, residues 1048-1068): IGSFKCRCDS[Gly1058Asp]FALDSEERNC